The following is an entry in ClinVar:

NM_033343.4(LHX4):c.776G>A (p.Arg259Gln)

Genes: LHX4 (LIM homeobox 4; plus strand), ACBD6 (acyl-CoA binding domain containing 6; minus strand), LHX4-AS1 (LHX4 antisense RNA 1; minus strand). Cytogenetic location: 1q25.2.
Variant type: single nucleotide variant.
Coding change: c.776G>A on transcript NM_033343.4 (MANE Select); coding-DNA position 776, G replaced by A.
Protein change: p.Arg259Gln; replaces arginine 259 with glutamine.
Molecular consequence: missense variant.
Genome position (GRCh38, 1-based): chr1:180,272,004, G>A. VCF-style: chr1-180272004-G-A. GRCh37 (hg19) VCF-style: chr1-180241139-G-A.
Other names: c.776G>A (NM_033343.3); short protein forms R259Q.
Identifiers: ClinVar variation 801584 (VCV000801584.5), dbSNP rs375216188, ClinGen allele CA1271998.

ClinVar aggregate classification (germline): Conflicting classifications of pathogenicity. Review status: criteria provided, conflicting classifications (1 of 4 stars). 3 submissions from 3 submitters: Uncertain significance (2); Likely benign (1). Last evaluated 2024-06-11.

Conditions:
LHX4-related disorder. Also called: LHX4-related condition.
Inborn genetic diseases. Identifiers: MedGen C0950123, MeSH D030342.
Short stature-pituitary and cerebellar defects-small sella turcica syndrome (CPHD4). Also called: Pituitary hormone deficiency, combined with or without cerebellar defects; Short stature, pituitary and cerebellar defects and small sella turcica. Identifiers: Orphanet 85442, MedGen C2678408, MONDO:0009880, OMIM 262700.

Allele frequency attached by ClinVar (database versions not stated): ExAC 0.00003; gnomAD exomes 0.00005 and 0.00006; gnomAD 0.00010; 1000 Genomes Project 0.00020; TOPMed 0.00025; 1000 Genomes Project 30x 0.00031.
gnomAD v4.1: 94 of 1,611,998 alleles (0.0058%); highest among the groups gnomAD compares: African/African-American, 0.039%; no homozygotes.

Submissions (3):

Ambry Genetics
Classification: Uncertain significance for Inborn genetic diseases. Last evaluated: 2024-06-11. Review status: criteria provided, single submitter. Criteria: Ambry Variant Classification Scheme 2023. Collection method: clinical testing. Allele origin: germline.

PreventionGenetics, part of Exact Sciences
Classification: Uncertain significance for LHX4-related condition. Last evaluated: 2022-10-27. Review status: criteria provided, single submitter. Criteria: ACMG Guidelines, 2015. Collection method: clinical testing. Allele origin: germline.
Comment: The LHX4 c.776G>A variant is predicted to result in the amino acid substitution p.Arg259Gln. To our knowledge, this variant has not been reported in the literature. This variant is reported in 0.028% of alleles in individuals of African descent in gnomAD. At this time, the clinical significance of this variant is uncertain due to the absence of conclusive functional and genetic evidence.

Mendelics
Classification: Likely benign for Short stature-pituitary and cerebellar defects-small sella turcica syndrome. Last evaluated: 2019-05-28. Review status: criteria provided, single submitter. Criteria: Mendelics Assertion Criteria 2017. Collection method: clinical testing. Allele origin: unknown.